The following is an entry in ClinVar:

NM_001080467.3(MYO5B):c.4590C>T (p.Asn1530=)

Genes: MYO5B (myosin VB; minus strand), SNHG22 (small nucleolar RNA host gene 22; plus strand). Cytogenetic location: 18q21.1.
Variant type: single nucleotide variant.
Coding change: c.4590C>T on transcript NM_001080467.3 (MANE Select); coding-DNA position 4590, C replaced by T.
Protein change: p.Asn1530=; no amino-acid change (asparagine 1530 retained).
Molecular consequence: synonymous variant.
Genome position (GRCh38, 1-based): chr18:49,843,262, G>A on the plus strand (C>T on the coding strand, the complement: MYO5B is on the minus strand). VCF-style: chr18-49843262-G-A. GRCh37 (hg19) VCF-style: chr18-47369632-G-A.
Other names: c.4590C>T (NM_001080467.2).
Identifiers: ClinVar variation 1628815 (VCV001628815.10), dbSNP rs748882851, ClinGen allele CA8960302.

ClinVar aggregate classification (germline): Likely benign. Review status: criteria provided, multiple submitters, no conflicts (2 of 4 stars). 3 submissions from 3 submitters: Likely benign (3). Last evaluated 2025-08-12.

Conditions:
MYO5B-related disorder. Also called: MYO5B-related condition.

Allele frequency attached by ClinVar (database versions not stated): gnomAD exomes 0.00002 and 0.00001; gnomAD 0.00001; TOPMed 0.00001; ExAC 0.00002.
gnomAD v4.1: 13 of 1,614,044 alleles (0.00081%); highest among the groups gnomAD compares: African/African-American, 0.0013%; no homozygotes.

Submissions (3):

PreventionGenetics, part of Exact Sciences
Classification: Likely benign for MYO5B-related condition. Last evaluated: 2025-08-12. Review status: criteria provided, single submitter. Criteria: ACMG Guidelines, 2015. Collection method: clinical testing. Allele origin: germline.
Comment: This variant is classified as likely benign based on ACMG/AMP sequence variant interpretation guidelines (Richards et al. 2015 PMID: 25741868, with internal and published modifications).

Labcorp Genetics (formerly Invitae), Labcorp
Classification: Likely benign. Last evaluated: 2024-11-05. Review status: criteria provided, single submitter. Criteria: Invitae Variant Classification Sherloc (09022015). Collection method: clinical testing. Allele origin: germline.

Blueprint Genetics
Classification: Likely benign. Last evaluated: 2023-11-27. Review status: criteria provided, single submitter. Criteria: ACMG Guidelines, 2015. Collection method: clinical testing. Allele origin: germline.